The following is an entry in ClinVar:

NM_000092.5(COL4A4):c.1130G>A (p.Arg377His)

Gene: COL4A4 (collagen type IV alpha 4 chain; minus strand). Cytogenetic location: 2q36.3.
Variant type: single nucleotide variant.
Coding change: c.1130G>A on transcript NM_000092.5 (MANE Select); coding-DNA position 1130, G replaced by A.
Protein change: p.Arg377His; replaces arginine 377 with histidine.
Molecular consequence: missense variant.
Genome position (GRCh38, 1-based): chr2:227,098,768, C>T on the plus strand (G>A on the coding strand, the complement: COL4A4 is on the minus strand). VCF-style: chr2-227098768-C-T. GRCh37 (hg19) VCF-style: chr2-227963484-C-T.
Other names: short protein forms R377H.
Identifiers: ClinVar variation 3369801 (VCV003369801.2).

ClinVar aggregate classification (germline): Uncertain significance. Review status: criteria provided, multiple submitters, no conflicts (2 of 4 stars). 2 submissions from 2 submitters: Uncertain significance (2). Last evaluated 2024-06-19.

Conditions:
Autosomal recessive Alport syndrome (ATS2). Also called: COL4A3-Related Nephropathy; COL4A4 Alport Syndrome and Thin Basement Membrane Nephropathy; ALPORT SYNDROME 2, AUTOSOMAL RECESSIVE; Alport syndrome type 2. Identifiers: Orphanet 63, Orphanet 88919, MedGen C4746745, MONDO:0008762, OMIM 203780.
Hematuria, benign familial, 1 (BFH1). Also called: THIN MEMBRANE NEPHROPATHY. Identifiers: MedGen CN376803, MONDO:0007709, OMIM 141200.

gnomAD v4.1: 54 of 1,613,894 alleles (0.0033%); highest among the groups gnomAD compares: Middle Eastern, 0.016%; no homozygotes.

Submissions (2):

Fulgent Genetics
Classification: Uncertain significance for Hematuria, benign familial, 1; Autosomal recessive Alport syndrome. Last evaluated: 2024-06-19. Review status: criteria provided, single submitter. Criteria: ACMG Guidelines, 2015. Collection method: clinical testing. Allele origin: germline.

GeneDx
Classification: Uncertain significance. Last evaluated: 2024-02-27. Review status: criteria provided, single submitter. Criteria: GeneDx Variant Classification Process June 2021. Collection method: clinical testing. Allele origin: germline. Affected: yes.
Comment: Not observed at significant frequency in large population cohorts (gnomAD); In silico analysis supports that this missense variant does not alter protein structure/function; Has not been previously published as pathogenic or benign to our knowledge; Occurs in the triple helical domain at the X position in the canonical Gly-X-Y repeat; although this variant may have an effect on normal protein folding and function, missense substitution at the X position is not a common mechanism of disease